The following is an entry in ClinVar:

GRCh38/hg38 21q11.2-21.1(chr21:14127526-17193289)x3

Genes: ASMER1 (adipocyte associated metabolic related lncRNA 1; minus strand), HSPA13 (heat shock protein family A (Hsp70) member 13; minus strand), LINC02920 (long intergenic non-protein coding RNA 2920; plus strand), LIPI (lipase I; minus strand), MIR125B2 (microRNA 125b-2; plus strand) and 66 more. Cytogenetic location: 21q11.2-21.1.
Variant type: copy number gain.
Change: copy number 3 (three copies instead of two) of chr21:14,127,526-17,193,289 (3.07 Mb, GRCh38 coordinates, 1-based), cytogenetic band 21q11.2-21.1.
Identifiers: ClinVar variation 59244 (VCV000059244.1).

ClinVar aggregate classification (germline): Pathogenic (1 of 4 stars; one submission).

Submission:

ISCA site 17
Classification: Pathogenic. Last evaluated: 2011-08-12. Review status: criteria provided, single submitter. Criteria: Kaminsky et al. (Genet Med. 2011). Collection method: clinical testing. Allele origin: de novo. Affected: yes. Observed: 1 variant allele.
Comment: Copy number variation identified through the course of routine clinical cytogenomic testing in postnatal populations. Clinical assertions have been curated as described in Kaminsky et al. 2011.